The following is an entry in ClinVar:

ClinVar aggregate classification (germline): Uncertain significance. Review status: criteria provided, multiple submitters, no conflicts (2 of 4 stars). 2 submissions from 2 submitters: Uncertain significance (2). Last evaluated 2023-11-09.

Allele frequency attached by ClinVar (database versions not stated): gnomAD exomes below 0.00001; TOPMed 0.00001.
gnomAD v4.1: 8 of 1,614,118 alleles (0.0005%); highest among the groups gnomAD compares: Non-Finnish European, 0.00059%; no homozygotes.

Submissions (2):

Ambry Genetics
Classification: Uncertain significance. Last evaluated: 2023-11-09. Review status: criteria provided, single submitter. Criteria: Ambry Variant Classification Scheme 2023. Collection method: clinical testing. Allele origin: germline.

Labcorp Genetics (formerly Invitae), Labcorp
Classification: Uncertain significance. Last evaluated: 2020-11-11. Review status: criteria provided, single submitter. Criteria: Invitae Variant Classification Sherloc (09022015). Collection method: clinical testing. Allele origin: germline.
Comment: In summary, the available evidence is currently insufficient to determine the role of this variant in disease. Therefore, it has been classified as a Variant of Uncertain Significance. Algorithms developed to predict the effect of missense changes on protein structure and function are either unavailable or do not agree on the potential impact of this missense change (SIFT: "Deleterious"; PolyPhen-2: "Benign"; Align-GVGD: "Class C15"). This variant has not been reported in the literature in individuals with LRRC8A-related conditions. This variant is not present in population databases (ExAC no frequency). This sequence change replaces glutamic acid with lysine at codon 359 of the LRRC8A protein (p.Glu359Lys). The glutamic acid residue is highly conserved and there is a small physicochemical difference between glutamic acid and lysine.

NM_019594.4(LRRC8A):c.1075G>A (p.Glu359Lys)

Gene: LRRC8A (leucine rich repeat containing 8 VRAC subunit A; plus strand). Cytogenetic location: 9q34.11.
Variant type: single nucleotide variant.
Coding change: c.1075G>A on transcript NM_019594.4 (MANE Select); coding-DNA position 1075, G replaced by A.
Protein change: p.Glu359Lys; replaces glutamic acid 359 with lysine.
Molecular consequence: missense variant.
Genome position (GRCh38, 1-based): chr9:128,908,239, G>A. VCF-style: chr9-128908239-G-A. GRCh37 (hg19) VCF-style: chr9-131670518-G-A.
Other names: c.1075G>A (NM_001127244.1); c.1075G>A, p.Glu359Lys (NM_001127244.2, NM_001127245.2); short protein forms E359K.
Identifiers: ClinVar variation 999677 (VCV000999677.9), dbSNP rs1216300411, ClinGen allele CA375079306.